The following is an entry in ClinVar:

ClinVar aggregate classification (germline): Pathogenic (1 of 4 stars; one submission).

Conditions:
Mucopolysaccharidosis, MPS-II (MPS2). Also called: Hunter Syndrome; IDURONATE 2-SULFATASE DEFICIENCY; Mucopolysaccharidosis Type II; Mucopolysaccharidosis type 2; Attenuated MPS (subtype; formerly known as mild MPS II); Severe MPS II. Identifiers: Orphanet 580, Orphanet 79388, MedGen C0026705, MONDO:0010674, OMIM 309900.

Submission:

Laboratory of Diagnosis and Therapy of Lysosomal Disorders, University of Padova
Classification: Pathogenic for Mucopolysaccharidosis, MPS-II. Last evaluated: 2024-06-07. Review status: criteria provided, single submitter. Criteria: ACMG Guidelines, 2015. Collection method: literature only. Allele origin: germline. Affected: yes. Observed: 1 variant allele.
Comment: Null variant (PVS1_VeryStrong), Absent from controls (or at low frequency) in gnomAD database (PM2_Moderate), Patient’s phenotype or family history highly specific for the disease (PP4_Moderate)

Classification method: ACMG Guidelines [PMID:25741868] with modifications

Literature cited by the submitters: PubMed 12655569; PubMed 21291454.

NM_000202.8(IDS):c.787del (p.Ala263fs)

Genes: IDS (iduronate 2-sulfatase; minus strand), LOC106050102 (IDS recombination region; plus strand). Cytogenetic location: Xq28.
Variant type: Deletion.
Coding change: c.787del on transcript NM_000202.8 (MANE Select); coding-DNA position 787, one base deleted (G; older notation c.787delG).
Protein change: p.Ala263fs; shifts the reading frame from alanine 263.
Molecular consequence: frameshift variant. On other transcripts: non-coding transcript variant (1).
Genome position (GRCh38, 1-based): chrX:149,496,438, C deleted on the plus strand (G on the coding strand, the reverse complement: IDS is on the minus strand); the first of 2 consecutive C bases (chrX:149,496,438-149,496,439); deleting either gives the same sequence. VCF-style (leftmost placement, unchanged base first): chrX-149496437-GC-G. GRCh37 (hg19) VCF-style: chrX-148577968-GC-G.
Other names: c.517del, p.Ala173fs (NM_001166550.4); c.787del, p.Ala263fs (NM_006123.5); short protein forms A173fs, A263fs.
Identifiers: ClinVar variation 3255839 (VCV003255839.2).
Genomic context (GRCh38, chrX:149,496,437, plus strand): 5'-ACACTGATGTTTAAGGCTTGGACGTCTTCCCGTTGCCTGATGTCCATCCAGGGGTTGTAG[GC>G]CACAGGGGGTAGGCCATCAGGGACCTCGGGATCGGGGGCCAGGGTGATGTTCTCCAAGGG-3'